The following is an entry in ClinVar:

ClinVar aggregate classification (germline): Uncertain significance (1 of 4 stars; one submission).

Submission:

Labcorp Genetics (formerly Invitae), Labcorp
Classification: Uncertain significance. Last evaluated: 2025-12-17. Review status: criteria provided, single submitter. Criteria: Invitae Variant Classification Sherloc (09022015). Collection method: clinical testing. Allele origin: germline.
Comment: This variant, c.2410_2412del, results in the deletion of 1 amino acid(s) of the KIF23 protein (p.Pro804del), but otherwise preserves the integrity of the reading frame. This variant is not present in population databases (gnomAD no frequency). This variant has not been reported in the literature in individuals affected with KIF23-related conditions. Experimental studies and prediction algorithms are not available or were not evaluated, and the functional significance of this variant is currently unknown. In summary, the available evidence is currently insufficient to determine the role of this variant in disease. Therefore, it has been classified as a Variant of Uncertain Significance.

NM_001367805.3(KIF23):c.2449CCA[1] (p.Pro818del)

Gene: KIF23 (kinesin family member 23; plus strand). Cytogenetic location: 15q23.
Variant type: Microsatellite.
Coding change: c.2449CCA[1] on transcript NM_001367805.3 (MANE Select); one copy of the 3-base unit CCA starting at c.2449; the reference has two copies in a row; one copy, 3 bases deleted.
Protein change: p.Pro818del; deletes proline 818.
Molecular consequence: inframe deletion. On other transcripts: non-coding transcript variant (2), intron variant (1).
Genome position (GRCh38, 1-based): chr15:69,444,820-69,444,822, CCA deleted; deleting any 3 consecutive bases within chr15:69,444,815-69,444,822 gives the same sequence; the position shown is the placement nearest the transcript's 3' end. VCF-style (leftmost placement, unchanged base first): chr15-69444814-GCAC-G. GRCh37 (hg19) VCF-style: chr15-69737153-GCAC-G.
Other names: c.2407CCA[1], p.Pro804del (NM_001367804.2, NM_138555.4); c.2095CCA[1], p.Pro700del (NM_004856.7); c.2050-1189_2050-1187del (NM_001281301.2); short protein forms P804del, P700del, P818del.
Identifiers: ClinVar variation 2794277 (VCV002794277.3), dbSNP rs2057707332, ClinGen allele CA2185433639.